The following is an entry in ClinVar:

ClinVar aggregate classification (germline): Uncertain significance (1 of 4 stars; one submission).

Submission:

Labcorp Genetics (formerly Invitae), Labcorp
Classification: Uncertain significance. Last evaluated: 2022-08-04. Review status: criteria provided, single submitter. Criteria: Invitae Variant Classification Sherloc (09022015). Collection method: clinical testing. Allele origin: germline.
Comment: In summary, the available evidence is currently insufficient to determine the role of this variant in disease. Therefore, it has been classified as a Variant of Uncertain Significance. Algorithms developed to predict the effect of sequence changes on RNA splicing suggest that this variant may disrupt the consensus splice site. This variant has not been reported in the literature in individuals affected with CYFIP2-related conditions. This variant is not present in population databases (gnomAD no frequency). This sequence change affects a donor splice site in intron 12 of the CYFIP2 gene. It is expected to disrupt RNA splicing. Variants that disrupt the donor or acceptor splice site typically lead to a loss of protein function (PMID: 16199547), however the current clinical and genetic evidence is not sufficient to establish whether loss-of-function variants in CYFIP2 cause disease.

Literature cited by the submitters: PubMed 16199547.

NM_001037333.3(CYFIP2):c.1230+2T>C

Gene: CYFIP2 (cytoplasmic FMR1 interacting protein 2; plus strand). Cytogenetic location: 5q33.3.
Variant type: single nucleotide variant.
Coding change: c.1230+2T>C on transcript NM_001037333.3 (MANE Select); the canonical splice donor site of the intron after coding-DNA position 1230, T replaced by C.
Molecular consequence: splice donor variant.
Genome position (GRCh38, 1-based): chr5:157,314,465, T>C. VCF-style: chr5-157314465-T-C. GRCh37 (hg19) VCF-style: chr5-156741473-T-C.
Other names: c.1230+2T>C (NM_001291722.2, NM_014376.4); c.1152+2T>C (NM_001291721.2).
Identifiers: ClinVar variation 2021470 (VCV002021470.4), dbSNP rs2532369141, ClinGen allele CA361968455.